The following is an entry in ClinVar:

ClinVar aggregate classification (germline): Uncertain significance (1 of 4 stars; one submission).

Allele frequency attached by ClinVar (database versions not stated): gnomAD exomes below 0.00001; TOPMed 0.00001.
gnomAD v4.1: 1 of 1,613,788 alleles (0.000062%); highest among the groups gnomAD compares: Non-Finnish European, 0.000085%; no homozygotes.

Submission:

Ambry Genetics
Classification: Uncertain significance. Last evaluated: 2023-05-23. Review status: criteria provided, single submitter. Criteria: Ambry Variant Classification Scheme 2023. Collection method: clinical testing. Allele origin: germline.
Comment: The p.H1372Y variant (also known as c.4114C>T), located in coding exon 16 of the POLQ gene, results from a C to T substitution at nucleotide position 4114. The histidine at codon 1372 is replaced by tyrosine, an amino acid with similar properties. This amino acid position is conserved. In addition, this alteration is predicted to be tolerated by in silico analysis. Since supporting evidence is limited at this time, the clinical significance of this alteration remains unclear.

NM_199420.4(POLQ):c.4114C>T (p.His1372Tyr)

Gene: POLQ (DNA polymerase theta; minus strand). Cytogenetic location: 3q13.33.
Variant type: single nucleotide variant.
Coding change: c.4114C>T on transcript NM_199420.4 (MANE Select); coding-DNA position 4114, C replaced by T.
Protein change: p.His1372Tyr; replaces histidine 1372 with tyrosine.
Molecular consequence: missense variant.
Genome position (GRCh38, 1-based): chr3:121,488,817, G>A on the plus strand (C>T on the coding strand, the complement: POLQ is on the minus strand). VCF-style: chr3-121488817-G-A. GRCh37 (hg19) VCF-style: chr3-121207664-G-A.
Other names: short protein forms H1372Y.
Identifiers: ClinVar variation 2560540 (VCV002560540.2), dbSNP rs2048037522, ClinGen allele CA354096105.